The following is an entry in ClinVar:

ClinVar aggregate classification (germline): Benign/Likely benign. Review status: criteria provided, multiple submitters, no conflicts (2 of 4 stars). 8 submissions from 8 submitters: Benign (3); Likely benign (4). 1 of the submissions does not count toward it. Last evaluated 2026-08-01.

Conditions:
COL11A2-related disorder. Also called: COL11A2-related disorders; COL11A2-related condition.

Allele frequency attached by ClinVar (database versions not stated): 1000 Genomes Project 30x 0.00031; 1000 Genomes Project 0.00040; ESP Exome Variant Server 0.00085; TOPMed 0.00159; gnomAD 0.00163.
gnomAD v4.1: 671 of 1,614,184 alleles (0.042%); highest among the groups gnomAD compares: African/African-American, 0.51%; 2 homozygotes.

Submissions (8):

CeGaT Center for Human Genetics Tuebingen
Classification: Likely benign. Last evaluated: 2026-08-01. Review status: criteria provided, single submitter. Criteria: CeGaT Center For Human Genetics Tuebingen Variant Classification Criteria Version 2. Collection method: clinical testing. Allele origin: germline. Affected: yes. Observed: 2 variant alleles.
Comment: COL11A2: BP4, BP7

Labcorp Genetics (formerly Invitae), Labcorp
Classification: Benign. Last evaluated: 2026-01-28. Review status: criteria provided, single submitter. Criteria: Invitae Variant Classification Sherloc (09022015). Collection method: clinical testing. Allele origin: germline.

Blueprint Genetics
Classification: Likely benign. Last evaluated: 2024-09-20. Review status: criteria provided, single submitter. Criteria: ACMG Guidelines, 2015. Collection method: clinical testing. Allele origin: germline.

GeneDx
Classification: Likely benign. Last evaluated: 2021-04-01. Review status: criteria provided, single submitter. Criteria: GeneDx Variant Classification Process June 2021. Collection method: clinical testing. Allele origin: germline. Affected: yes.

ARUP Laboratories, Molecular Genetics and Genomics, ARUP Laboratories
Classification: Benign. Last evaluated: 2020-07-09. Review status: criteria provided, single submitter. Criteria: ARUP Molecular Germline Variant Investigation Process. Collection method: clinical testing. Allele origin: germline.

Eurofins Ntd Llc (ga)
Classification: Likely benign. Last evaluated: 2016-06-07. Review status: criteria provided, single submitter. Criteria: EGL Classification Definitions 2015. Collection method: clinical testing. Allele origin: germline. Observed: 1 variant allele, 1 heterozygote.

Laboratory for Molecular Medicine, Mass General Brigham Personalized Medicine
Classification: Benign. Last evaluated: 2016-04-08. Review status: criteria provided, single submitter. Criteria: LMM Criteria. Collection method: clinical testing. Allele origin: germline. Observed: 3 variant alleles.
Comment: p.Arg130Arg in exon 03 of COL11A2: This variant is not expected to have clinical significance because it does not alter an amino acid residue, is not located wi thin the splice consensus sequence, and has been identified in 0.5% (52/10276) o f African chromosomes by the Exome Aggregation Consortium (ExAC; dbSNP rs149638770).

PreventionGenetics, part of Exact Sciences
Classification: Likely benign for COL11A2-related condition. Last evaluated: 2019-10-31. Review status: no assertion criteria provided. Collection method: clinical testing. Allele origin: germline. Not counted in ClinVar's aggregate classification.
Comment: This variant is classified as likely benign based on ACMG/AMP sequence variant interpretation guidelines (Richards et al. 2015 PMID: 25741868, with internal and published modifications).

NM_080680.3(COL11A2):c.390G>C (p.Arg130=)

Gene: COL11A2 (collagen type XI alpha 2 chain; minus strand). Cytogenetic location: 6p21.32.
Variant type: single nucleotide variant.
Coding change: c.390G>C on transcript NM_080680.3 (MANE Select); coding-DNA position 390, G replaced by C.
Protein change: p.Arg130=; no amino-acid change (arginine 130 retained).
Molecular consequence: synonymous variant.
Genome position (GRCh38, 1-based): chr6:33,189,031, C>G on the plus strand (G>C on the coding strand, the complement: COL11A2 is on the minus strand). VCF-style: chr6-33189031-C-G. GRCh37 (hg19) VCF-style: chr6-33156808-C-G.
Other names: c.390G>C, p.Arg130= (NM_001163771.2, NM_080679.3, NM_080681.3).
Identifiers: ClinVar variation 287840 (VCV000287840.32), dbSNP rs149638770, ClinGen allele CA3751679.